The following is an entry in ClinVar:

NM_000077.5(CDKN2A):c.340C>A (p.Pro114Thr)

Gene: CDKN2A (cyclin dependent kinase inhibitor 2A; minus strand). Cytogenetic location: 9p21.3.
Variant type: single nucleotide variant.
Coding change: c.340C>A on transcript NM_000077.5; coding-DNA position 340, C replaced by A.
Protein change: p.Pro114Thr; replaces proline 114 with threonine.
Molecular consequence: missense variant (on NM_000077.6). On other transcripts: 3 prime UTR variant (1).
Genome position (GRCh38, 1-based): chr9:21,971,019, G>T on the plus strand (C>A on the coding strand, the complement: CDKN2A is on the minus strand). VCF-style: chr9-21971019-G-T. GRCh37 (hg19) VCF-style: chr9-21971018-G-T.
Other names: c.340C>A, p.Pro114Thr (NM_000077.6, NM_001195132.2); c.187C>A, p.Pro63Thr (NM_001363763.2); c.383C>A, p.Ala128Asp (NM_058195.4); c.*263C>A (NM_058197.5); short protein forms A128D, P114T, P63T.
Identifiers: ClinVar variation 376382 (VCV000376382.4), dbSNP rs104894104, ClinGen allele CA16602821.

ClinVar aggregate classification (germline): Uncertain significance (1 of 4 stars; one submission).

Conditions:
Familial melanoma. Also called: Hereditary melanoma; Hereditary cutaneous melanoma. Identifiers: Orphanet 618, MedGen C1512419, MONDO:0018961.

Submission:

Labcorp Genetics (formerly Invitae), Labcorp
Classification: Uncertain significance for Familial melanoma. Last evaluated: 2023-04-03. Review status: criteria provided, single submitter. Criteria: Invitae Variant Classification Sherloc (09022015). Collection method: clinical testing. Allele origin: germline.
Comment: This sequence change replaces proline, which is neutral and non-polar, with threonine, which is neutral and polar, at codon 114 of the CDKN2A (p16INK4a) protein (p.Pro114Thr). This variant is not present in population databases (gnomAD no frequency). This variant has not been reported in the literature in individuals affected with CDKN2A (p16INK4a)-related conditions. ClinVar contains an entry for this variant (Variation ID: 376382). An algorithm developed to predict the effect of missense changes on protein structure and function (PolyPhen-2) suggests that this variant is likely to be disruptive. In summary, the available evidence is currently insufficient to determine the role of this variant in disease. Therefore, it has been classified as a Variant of Uncertain Significance.